The following is an entry in ClinVar:

ClinVar aggregate classification (germline): Uncertain significance (1 of 4 stars; one submission).

Conditions:
Familial adenomatous polyposis 1 (FAP1). Also called: FAMILIAL ADENOMATOUS POLYPOSIS 1, ATTENUATED; POLYPOSIS, ADENOMATOUS INTESTINAL. Identifiers: MedGen C2713442, MONDO:0021056, OMIM 175100. Disease mechanism: loss of function.

Submission:

Labcorp Genetics (formerly Invitae), Labcorp
Classification: Uncertain significance for Familial adenomatous polyposis 1. Last evaluated: 2025-05-11. Review status: criteria provided, single submitter. Criteria: Invitae Variant Classification Sherloc (09022015). Collection method: clinical testing. Allele origin: germline.
Comment: This sequence change replaces threonine, which is neutral and polar, with asparagine, which is neutral and polar, at codon 2736 of the APC protein (p.Thr2736Asn). This variant is not present in population databases (gnomAD no frequency). This variant has not been reported in the literature in individuals affected with APC-related conditions. Invitae Evidence Modeling of protein sequence and biophysical properties (such as structural, functional, and spatial information, amino acid conservation, physicochemical variation, residue mobility, and thermodynamic stability) indicates that this missense variant is not expected to disrupt APC protein function with a negative predictive value of 95%. In summary, the available evidence is currently insufficient to determine the role of this variant in disease. Therefore, it has been classified as a Variant of Uncertain Significance.

NM_000038.6(APC):c.8207C>A (p.Thr2736Asn)

Gene: APC (APC regulator of Wnt signaling pathway; plus strand). Cytogenetic location: 5q22.2.
Variant type: single nucleotide variant.
Coding change: c.8207C>A on transcript NM_000038.6 (MANE Select); coding-DNA position 8207, C replaced by A.
Protein change: p.Thr2736Asn; replaces threonine 2736 with asparagine.
Molecular consequence: missense variant. On other transcripts: non-coding transcript variant (2).
Genome position (GRCh38, 1-based): chr5:112,843,801, C>A. VCF-style: chr5-112843801-C-A. GRCh37 (hg19) VCF-style: chr5-112179498-C-A.
Other names: c.7958C>A, p.Thr2653Asn (NM_001407457.1, NM_001407454.1, NM_001407455.1 and 1 more transcripts); c.7904C>A, p.Thr2635Asn (NM_001407458.1, NM_001407459.1, NM_001407460.1 and 1 more transcripts); c.7820C>A, p.Thr2607Asn (NM_001407467.1, NM_001407469.1); c.7358C>A, p.Thr2453Asn (NM_001407470.1, NM_001354906.2); c.7055C>A, p.Thr2352Asn (NM_001407471.1, NM_001407472.1); c.8207C>A, p.Thr2736Asn (NM_001127510.3, NM_001354895.2, NM_001407450.1); c.8153C>A, p.Thr2718Asn (NM_001127511.3); c.8261C>A, p.Thr2754Asn (NM_001354896.2, NM_001407447.1, NM_001407448.1 and 1 more transcripts); and 11 more; short protein forms T2352N, T2453N, T2576N, T2607N, T2610N, T2635N, T2645N, T2653N.
Identifiers: ClinVar variation 4801528 (VCV004801528.1).